The following is an entry in ClinVar:

NM_001267550.2(TTN):c.34947A>G (p.Glu11649=)

Gene: TTN (titin; minus strand). Cytogenetic location: 2q31.2.
Variant type: single nucleotide variant.
Coding change: c.34947A>G on transcript NM_001267550.2 (MANE Select); coding-DNA position 34947, A replaced by G.
Protein change: p.Glu11649=; no amino-acid change (glutamic acid 11649 retained).
Molecular consequence: synonymous variant. On other transcripts: intron variant (3).
Genome position (GRCh38, 1-based): chr2:178,672,251, T>C on the plus strand (A>G on the coding strand, the complement: TTN is on the minus strand). VCF-style: chr2-178672251-T-C. GRCh37 (hg19) VCF-style: chr2-179536978-T-C.
Other names: c.33825A>G, p.Glu11275= (NM_001256850.1); c.13283-29934A>G (NM_003319.4); c.13859-29934A>G (NM_133437.4); c.13658-29934A>G (NM_133432.3); c.31044A>G, p.Glu10348= (NM_133378.4).
Identifiers: ClinVar variation 178885 (VCV000178885.5), dbSNP rs727504514, ClinGen allele CA183226.

ClinVar aggregate classification (germline): Likely benign (1 of 4 stars; one submission).

gnomAD v4.1: 1 of 1,575,366 alleles (0.000063%); highest among the groups gnomAD compares: Non-Finnish European, 0.000086%; no homozygotes.

Submission:

Laboratory for Molecular Medicine, Mass General Brigham Personalized Medicine
Classification: Likely benign. Last evaluated: 2013-04-05. Review status: criteria provided, single submitter. Criteria: LMM Criteria. Collection method: clinical testing. Allele origin: germline. Observed: 1 variant allele.
Comment: Glu10348Glu in exon 150 of TTN: This variant is not expected to have clinical si gnificance because it does not alter an amino acid residue and is not located wi thin the splice consensus sequence. Glu10348Glu in exon 150 of TTN (allele freq uency = n/a)